The following is an entry in ClinVar:

ClinVar aggregate classification (germline): Uncertain significance (1 of 4 stars; one submission).

Conditions:
Leigh syndrome (NULS). Also called: Leigh's necrotizing encephalopathy; Leigh's disease; Leigh Syndrome (mtDNA deletion); Leigh Disease; Subacute necrotizing encephalopathy; Necrotizing encephalopathy infantile subacute of Leigh. Identifiers: Orphanet 506, MedGen C2931891, MONDO:0009723, OMIM 256000.

Submission:

Wong Mito Lab, Molecular and Human Genetics, Baylor College of Medicine
Classification: Uncertain significance for Leigh syndrome. Last evaluated: 2019-10-17. Review status: criteria provided, single submitter. Criteria: Modified ACMG Guidelines (Unpublished). Collection method: clinical testing. Allele origin: germline.
Comment: The NC_012920.1:m.9140C>T (YP_003024031.1:p.Ala205Val) variant in MTATP6 gene is interpretated to be a Uncertain Significance variant based on the modified ACMG guidelines (unpublished). This variant meets the following evidence codes: PP6, BS1

NC_012920.1(MT-ATP6):m.9140C>T

Gene: MT-ATP6 (mitochondrially encoded ATP synthase 6; plus strand).
Variant type: single nucleotide variant.
Genome position: chrM-9140-C-T.
Identifiers: ClinVar variation 693108 (VCV000693108.1), dbSNP rs878972895, ClinGen allele CA337098239.